The following is an entry in ClinVar:

NM_030662.4(MAP2K2):c.334C>T (p.Arg112Trp)

Gene: MAP2K2 (mitogen-activated protein kinase kinase 2; minus strand). Cytogenetic location: 19p13.3.
Variant type: single nucleotide variant.
Coding change: c.334C>T on transcript NM_030662.4 (MANE Select); coding-DNA position 334, C replaced by T.
Protein change: p.Arg112Trp; replaces arginine 112 with tryptophan.
Molecular consequence: missense variant.
Genome position (GRCh38, 1-based): chr19:4,110,625, G>A on the plus strand (C>T on the coding strand, the complement: MAP2K2 is on the minus strand). VCF-style: chr19-4110625-G-A. GRCh37 (hg19) VCF-style: chr19-4110623-G-A.
Other names: short protein forms R112W.
Identifiers: ClinVar variation 1963465 (VCV001963465.5), dbSNP rs201129499, ClinGen allele CA304453904.
Genomic context (GRCh38, chr19:4,110,625, plus strand): 5'-CCACGATGTACGGCGAGTTGCATTCGTGCAGGACCTGCAGCTCGCGGATGATCTGGTTCC[G>A]GATGGCCGGCTTGATCTCAAGGTGGATCAGCTGCAAGGGGAGAGGGGCGAGACTGGCTTG-3'
Protein context (NP_109587.1, residues 102-122): LIHLEIKPAI[Arg112Trp]NQIIRELQVL

ClinVar aggregate classification (germline): Likely pathogenic (1 of 4 stars; one submission).

Conditions:
RASopathy. Also called: Noonan spectrum disorder; rasopathies. Identifiers: Orphanet 536391, MedGen C5555857, MONDO:0021060.

Allele frequency attached by ClinVar (database versions not stated): gnomAD 0.00001; gnomAD exomes 0.00001; TOPMed 0.00001.
gnomAD v4.1: 12 of 1,613,540 alleles (0.00074%); highest among the groups gnomAD compares: Admixed American, 0.0017%; no homozygotes.

Submission:

Labcorp Genetics (formerly Invitae), Labcorp
Classification: Likely pathogenic for RASopathy. Last evaluated: 2025-08-13. Review status: criteria provided, single submitter. Criteria: Invitae Variant Classification Sherloc (09022015). Collection method: clinical testing. Allele origin: germline.
Comment: This sequence change replaces arginine, which is basic and polar, with tryptophan, which is neutral and slightly polar, at codon 112 of the MAP2K2 protein (p.Arg112Trp). This variant is present in population databases (rs201129499, gnomAD 0.003%). This variant has not been reported in the literature in individuals affected with MAP2K2-related conditions. ClinVar contains an entry for this variant (Variation ID: 1963465). Invitae Evidence Modeling of protein sequence and biophysical properties (such as structural, functional, and spatial information, amino acid conservation, physicochemical variation, residue mobility, and thermodynamic stability) has been performed for this missense variant. However, the output from this modeling did not meet the statistical confidence thresholds required to predict the impact of this variant on MAP2K2 protein function. This variant disrupts the p.Arg112 amino acid residue in MAP2K2. Other variant(s) that disrupt this residue have been determined to be pathogenic (internal data). This suggests that this residue is clinically significant, and that variants that disrupt this residue are likely to be disease-causing. In summary, the currently available evidence indicates that the variant is pathogenic, but additional data are needed to prove that conclusively. Therefore, this variant has been classified as Likely Pathogenic.